The following is an entry in ClinVar:

ClinVar aggregate classification (germline): Uncertain significance (1 of 4 stars; one submission).

Submission:

GeneDx
Classification: Uncertain significance. Last evaluated: 2025-09-08. Review status: criteria provided, single submitter. Criteria: GeneDx Variant Classification Process June 2021. Collection method: clinical testing. Allele origin: germline. Affected: yes.
Comment: Not observed at significant frequency in large population cohorts (gnomAD); In silico analysis suggests that this missense variant does not alter protein structure/function; Has not been previously published as pathogenic or benign to our knowledge; This variant is associated with the following publications: (PMID: 18034775, 20619386)

NM_005188.4(CBL):c.229C>A (p.Leu77Ile)

Gene: CBL (Cbl proto-oncogene; plus strand). Cytogenetic location: 11q23.3.
Variant type: single nucleotide variant.
Coding change: c.229C>A on transcript NM_005188.4 (MANE Select); coding-DNA position 229, C replaced by A.
Protein change: p.Leu77Ile; replaces leucine 77 with isoleucine.
Molecular consequence: missense variant.
Genome position (GRCh38, 1-based): chr11:119,232,481, C>A. VCF-style: chr11-119232481-C-A. GRCh37 (hg19) VCF-style: chr11-119103191-C-A.
Other names: short protein forms L77I.
Identifiers: ClinVar variation 1878882 (VCV001878882.2), dbSNP rs2496865715, ClinGen allele CA382894198.